The following is an entry in ClinVar:

NM_000143.4(FH):c.127C>G (p.Arg43Gly)

Gene: FH (fumarate hydratase; minus strand). Cytogenetic location: 1q43.
Variant type: single nucleotide variant.
Coding change: c.127C>G on transcript NM_000143.4 (MANE Select); coding-DNA position 127, C replaced by G.
Protein change: p.Arg43Gly; replaces arginine 43 with glycine.
Molecular consequence: missense variant.
Genome position (GRCh38, 1-based): chr1:241,519,596, G>C on the plus strand (C>G on the coding strand, the complement: FH is on the minus strand). VCF-style: chr1-241519596-G-C. GRCh37 (hg19) VCF-style: chr1-241682896-G-C.
Other names: short protein forms R43G.
Identifiers: ClinVar variation 460339 (VCV000460339.13), dbSNP rs200496951, ClinGen allele CA345442626.

ClinVar aggregate classification (germline): Uncertain significance. Review status: criteria provided, multiple submitters, no conflicts (2 of 4 stars). 4 submissions from 4 submitters: Uncertain significance (3). 1 of the submissions does not count toward it. Last evaluated 2025-08-27.

Conditions:
Hereditary cancer-predisposing syndrome. Also called: Hereditary neoplastic syndrome; Neoplastic Syndromes, Hereditary; Tumor predisposition; Hereditary Cancer Syndrome. Identifiers: Orphanet 140162, MedGen C0027672, MeSH D009386, MONDO:0015356.
Fumarase deficiency (FMRD). Also called: Fumaric aciduria; Fumarate Hydratase Deficiency. Identifiers: Orphanet 24, MedGen C0342770, MONDO:0011730, OMIM 606812.

Allele frequency attached by ClinVar (database versions not stated): gnomAD exomes 0.00001.
gnomAD v4.1: 3 of 1,547,492 alleles (0.00019%); highest among the groups gnomAD compares: Middle Eastern, 0.023%; no homozygotes.

Submissions (4):

Labcorp Genetics (formerly Invitae), Labcorp
Classification: Uncertain significance. Last evaluated: 2025-08-27. Review status: criteria provided, single submitter. Criteria: Invitae Variant Classification Sherloc (09022015). Collection method: clinical testing. Allele origin: germline.
Comment: This sequence change replaces arginine, which is basic and polar, with glycine, which is neutral and non-polar, at codon 43 of the FH protein (p.Arg43Gly). This variant is present in population databases (no rsID available, gnomAD 0.002%). This variant has not been reported in the literature in individuals affected with FH-related conditions. ClinVar contains an entry for this variant (Variation ID: 460339). Invitae Evidence Modeling of protein sequence and biophysical properties (such as structural, functional, and spatial information, amino acid conservation, physicochemical variation, residue mobility, and thermodynamic stability) indicates that this missense variant is not expected to disrupt FH protein function with a negative predictive value of 95%. In summary, the available evidence is currently insufficient to determine the role of this variant in disease. Therefore, it has been classified as a Variant of Uncertain Significance.

Ambry Genetics
Classification: Uncertain significance for Hereditary cancer-predisposing syndrome. Last evaluated: 2024-04-26. Review status: criteria provided, single submitter. Criteria: Ambry Variant Classification Scheme 2023. Collection method: clinical testing. Allele origin: germline.
Comment: The p.R43G variant (also known as c.127C>G), located in coding exon 1 of the FH gene, results from a C to G substitution at nucleotide position 127. The arginine at codon 43 is replaced by glycine, an amino acid with dissimilar properties. This amino acid position is well conserved in available vertebrate species. In addition, the in silico prediction for this alteration is inconclusive. Since supporting evidence is limited at this time, the clinical significance of this alteration remains unclear.

Baylor Genetics
Classification: Uncertain significance for Fumarase deficiency. Last evaluated: 2023-05-01. Review status: criteria provided, single submitter. Criteria: ACMG Guidelines, 2015. Collection method: clinical testing. Allele origin: unknown.

Natera, Inc.
Classification: Uncertain significance for Fumarase Deficiency. Last evaluated: 2019-10-28. Review status: no assertion criteria provided. Collection method: clinical testing. Allele origin: germline. Not counted in ClinVar's aggregate classification.